The following is an entry in ClinVar:

ClinVar aggregate classification (germline): Uncertain significance. Review status: criteria provided, multiple submitters, no conflicts (2 of 4 stars). 2 submissions from 2 submitters: Uncertain significance (2). Last evaluated 2024-02-02.

Conditions:
Inborn genetic diseases. Identifiers: MedGen C0950123, MeSH D030342.

Submissions (2):

Ambry Genetics
Classification: Uncertain significance for Inborn genetic diseases. Last evaluated: 2024-02-02. Review status: criteria provided, single submitter. Criteria: Ambry Variant Classification Scheme 2023. Collection method: clinical testing. Allele origin: germline.

Labcorp Genetics (formerly Invitae), Labcorp
Classification: Uncertain significance. Last evaluated: 2020-02-25. Review status: criteria provided, single submitter. Criteria: Invitae Variant Classification Sherloc (09022015). Collection method: clinical testing. Allele origin: germline.
Comment: This sequence change replaces methionine with leucine at codon 15 of the HES7 protein (p.Met15Leu). The methionine residue is highly conserved and there is a small physicochemical difference between methionine and leucine. This variant is not present in population databases (ExAC no frequency). This variant has not been reported in the literature in individuals with HES7-related conditions. Algorithms developed to predict the effect of missense changes on protein structure and function (SIFT, PolyPhen-2, Align-GVGD) all suggest that this variant is likely to be tolerated, but these predictions have not been confirmed by published functional studies and their clinical significance is uncertain. Algorithms developed to predict the effect of sequence changes on RNA splicing suggest that this variant may disrupt the consensus splice site, but this prediction has not been confirmed by published transcriptional studies. In summary, the available evidence is currently insufficient to determine the role of this variant in disease. Therefore, it has been classified as a Variant of Uncertain Significance.

NM_001165967.2(HES7):c.43A>T (p.Met15Leu)

Gene: HES7 (hes family bHLH transcription factor 7; minus strand). Cytogenetic location: 17p13.1.
Variant type: single nucleotide variant.
Coding change: c.43A>T on transcript NM_001165967.2 (MANE Select); coding-DNA position 43, A replaced by T.
Protein change: p.Met15Leu; replaces methionine 15 with leucine.
Molecular consequence: missense variant.
Genome position (GRCh38, 1-based): chr17:8,123,126, T>A on the plus strand (A>T on the coding strand, the complement: HES7 is on the minus strand). VCF-style: chr17-8123126-T-A. GRCh37 (hg19) VCF-style: chr17-8026444-T-A.
Other names: c.43A>T, p.Met15Leu (NM_032580.4); c.43A>T (NM_032580.3); short protein forms M15L.
Identifiers: ClinVar variation 1004339 (VCV001004339.10), dbSNP rs1981446467, ClinGen allele CA397991127.
Genomic context (GRCh38, chr17:8,123,126, plus strand): 5'-GCTCTTCCAGGCTGCGGTTGATGCGGTCCCGGCGCCGCTTCTCCACAAGCGGCTTGAGCA[T>A]CTGCGACCAGCGAGAAAAGGAGAGCGGGCCGACCAGACCGAGACTCAGTGCGGCCGCCCC-3'
Protein context (NP_001159439.1, residues 5-25): DRAENRDGPK[Met15Leu]LKPLVEKRRR